The following is an entry in ClinVar:

NM_005343.4(HRAS):c.468C>G (p.Phe156Leu)

Genes: LRRC56 (leucine rich repeat containing 56; plus strand), HRAS (HRas proto-oncogene, GTPase; minus strand). Cytogenetic location: 11p15.5.
Variant type: single nucleotide variant.
Coding change: c.468C>G on transcript NM_005343.4 (MANE Select); coding-DNA position 468, C replaced by G.
Protein change: p.Phe156Leu; replaces phenylalanine 156 with leucine.
Molecular consequence: missense variant. On other transcripts: 3 prime UTR variant (1).
Genome position (GRCh38, 1-based): chr11:532,738, G>C on the plus strand (C>G on the coding strand, the complement: HRAS is on the minus strand). VCF-style: chr11-532738-G-C. GRCh37 (hg19) VCF-style: chr11-532738-G-C.
Other names: c.468C>G, p.Phe156Leu (NM_001130442.3); c.231C>G, p.Phe77Leu (NM_001318054.2); c.*37C>G (NM_176795.5); short protein forms F156L, F77L.
Identifiers: ClinVar variation 1198752 (VCV001198752.2), dbSNP rs770648642, ClinGen allele CA378921198.
Genomic context (GRCh38, chr11:532,738, plus strand): 5'-CTCATCAGGAGGGTTCAGCTTCCGCAGCTTGTGCTGCCGGATCTCACGCACCAACGTGTA[G>C]AAGGCATCCTCCACTCCCTGGGAAAGGAGGGATGGGATCAGGAGGGACCGGCCTGTGGCC-3'
Protein context (NP_005334.1, residues 146-166): AKTRQGVEDA[Phe156Leu]YTLVREIRQH

ClinVar aggregate classification (germline): Pathogenic (1 of 4 stars; one submission).

Submission:

GeneDx
Classification: Pathogenic. Last evaluated: 2021-04-23. Review status: criteria provided, single submitter. Criteria: GeneDx Variant Classification Process June 2021. Collection method: clinical testing. Allele origin: germline. Affected: yes.
Comment: Has not been previously published as pathogenic or benign to our knowledge; Not observed in large population cohorts (Lek et al., 2016); Missense variants in this gene are commonly considered pathogenic (Stenson et al., 2014); In silico analysis supports that this missense variant has a deleterious effect on protein structure/function; Missense variants at the same position in the analogous gene, KRAS (F156V, F156I, F156L), have been reported as pathogenic in association with RAS-related disorders at GeneDx and in the Human Gene Mutation Database (Stenson et al., 2014)